The following is an entry in ClinVar:

ClinVar aggregate classification (germline): Uncertain significance (1 of 4 stars; one submission).

Submission:

Labcorp Genetics (formerly Invitae), Labcorp
Classification: Uncertain significance. Last evaluated: 2022-11-15. Review status: criteria provided, single submitter. Criteria: Invitae Variant Classification Sherloc (09022015). Collection method: clinical testing. Allele origin: germline.
Comment: This sequence change replaces isoleucine, which is neutral and non-polar, with leucine, which is neutral and non-polar, at codon 102 of the RPIA protein (p.Ile102Leu). In summary, the available evidence is currently insufficient to determine the role of this variant in disease. Therefore, it has been classified as a Variant of Uncertain Significance. Advanced modeling of protein sequence and biophysical properties (such as structural, functional, and spatial information, amino acid conservation, physicochemical variation, residue mobility, and thermodynamic stability) performed at Invitae indicates that this missense variant is not expected to disrupt RPIA protein function. This variant has not been reported in the literature in individuals affected with RPIA-related conditions. This variant is not present in population databases (gnomAD no frequency).

NM_144563.3(RPIA):c.304A>C (p.Ile102Leu)

Gene: RPIA (ribose 5-phosphate isomerase A; plus strand). Cytogenetic location: 2p11.2.
Variant type: single nucleotide variant.
Coding change: c.304A>C on transcript NM_144563.3 (MANE Select); coding-DNA position 304, A replaced by C.
Protein change: p.Ile102Leu; replaces isoleucine 102 with leucine.
Molecular consequence: missense variant.
Genome position (GRCh38, 1-based): chr2:88,698,502, A>C. VCF-style: chr2-88698502-A-C. GRCh37 (hg19) VCF-style: chr2-88998020-A-C.
Other names: short protein forms I102L.
Identifiers: ClinVar variation 1716500 (VCV001716500.5), dbSNP rs367587157, ClinGen allele CA347765655.